The following is an entry in ClinVar:

ClinVar aggregate classification (germline): Uncertain significance (1 of 4 stars; one submission).

Conditions:
Inborn genetic diseases. Identifiers: MedGen C0950123, MeSH D030342.

Submission:

Ambry Genetics
Classification: Uncertain significance for Inborn genetic diseases. Last evaluated: 2026-08-19. Review status: criteria provided, single submitter. Criteria: Ambry Variant Classification Scheme 2023. Collection method: clinical testing. Allele origin: germline.
Comment: The p.M194I variant (also known as c.582G>C), located in coding exon 2 of the FANCM gene, results from a G to C substitution at nucleotide position 582. The methionine at codon 194 is replaced by isoleucine, an amino acid with highly similar properties. This amino acid position is conserved. In addition, this alteration is predicted to be tolerated by in silico analysis. Based on the available evidence, the clinical significance of this variant remains unclear.

NM_020937.4(FANCM):c.582G>C (p.Met194Ile)

Gene: FANCM (FA complementation group M; plus strand). Cytogenetic location: 14q21.2.
Variant type: single nucleotide variant.
Coding change: c.582G>C on transcript NM_020937.4 (MANE Select); coding-DNA position 582, G replaced by C.
Protein change: p.Met194Ile; replaces methionine 194 with isoleucine.
Molecular consequence: missense variant.
Genome position (GRCh38, 1-based): chr14:45,137,142, G>C. VCF-style: chr14-45137142-G-C. GRCh37 (hg19) VCF-style: chr14-45606345-G-C.
Other names: c.582G>C, p.Met194Ile (NM_001308133.2, NM_001308134.2); short protein forms M194I.
Identifiers: ClinVar variation 5021509 (VCV005021509.1).